The following is an entry in ClinVar:

NM_006766.5(KAT6A):c.2896A>G (p.Ser966Gly)

Gene: KAT6A (lysine acetyltransferase 6A; minus strand). Cytogenetic location: 8p11.21.
Variant type: single nucleotide variant.
Coding change: c.2896A>G on transcript NM_006766.5 (MANE Select); coding-DNA position 2896, A replaced by G.
Protein change: p.Ser966Gly; replaces serine 966 with glycine.
Molecular consequence: missense variant.
Genome position (GRCh38, 1-based): chr8:41,940,985, T>C on the plus strand (A>G on the coding strand, the complement: KAT6A is on the minus strand). VCF-style: chr8-41940985-T-C. GRCh37 (hg19) VCF-style: chr8-41798503-T-C.
Other names: short protein forms S966G.
Identifiers: ClinVar variation 2497843 (VCV002497843.1), dbSNP rs2486770794, ClinGen allele CA371071426.

ClinVar aggregate classification (germline): Uncertain significance (1 of 4 stars; one submission).

Submission:

GeneDx
Classification: Uncertain significance. Last evaluated: 2022-10-06. Review status: criteria provided, single submitter. Criteria: GeneDx Variant Classification Process June 2021. Collection method: clinical testing. Allele origin: germline. Affected: yes.
Comment: Not observed at significant frequency in large population cohorts (gnomAD); In silico analysis supports that this missense variant does not alter protein structure/function; In silico analysis suggests this variant may impact gene splicing. In the absence of RNA/functional studies, the actual effect of this sequence change is unknown.; Has not been previously published as pathogenic or benign to our knowledge